The following is an entry in ClinVar:

NM_203446.3(SYNJ1):c.2264T>C (p.Ile755Thr)

Gene: SYNJ1 (synaptojanin 1; minus strand). Cytogenetic location: 21q22.11.
Variant type: single nucleotide variant.
Coding change: c.2264T>C on transcript NM_203446.3 (MANE Select); coding-DNA position 2264, T replaced by C.
Protein change: p.Ile755Thr; replaces isoleucine 755 with threonine.
Molecular consequence: missense variant.
Genome position (GRCh38, 1-based): chr21:32,664,953, A>G on the plus strand (T>C on the coding strand, the complement: SYNJ1 is on the minus strand). VCF-style: chr21-32664953-A-G. GRCh37 (hg19) VCF-style: chr21-34037263-A-G.
Other names: c.2264T>C, p.Ile755Thr (NM_001160302.2); c.2249T>C, p.Ile750Thr (NM_001160306.2); c.2381T>C, p.Ile794Thr (NM_003895.4); short protein forms I755T, I750T, I794T.
Identifiers: ClinVar variation 809283 (VCV000809283.46), dbSNP rs766613161, ClinGen allele CA10003702.

ClinVar aggregate classification (germline): Uncertain significance. Review status: criteria provided, multiple submitters, no conflicts (2 of 4 stars). 4 submissions from 4 submitters: Uncertain significance (4). Last evaluated 2024-03-31.

Conditions:
Early-onset Parkinson disease 20. Also called: PARKINSON DISEASE 20, AUTOSOMAL RECESSIVE EARLY-ONSET. Identifiers: Orphanet 391411, MedGen C3809824, MONDO:0014233, OMIM 615530.
Developmental and epileptic encephalopathy, 53. Also called: Epileptic encephalopathy, early infantile, 53. Identifiers: MedGen C4479313, MONDO:0033362, OMIM 617389.
Inborn genetic diseases. Identifiers: MedGen C0950123, MeSH D030342.

Allele frequency attached by ClinVar (database versions not stated): ExAC 0.00002; gnomAD 0.00002; gnomAD exomes 0.00002; TOPMed 0.00002.
gnomAD v4.1: 33 of 1,613,360 alleles (0.002%); highest among the groups gnomAD compares: South Asian, 0.0088%; 1 homozygote.

Submissions (4):

Ambry Genetics
Classification: Uncertain significance for Inborn genetic diseases. Last evaluated: 2024-03-31. Review status: criteria provided, single submitter. Criteria: Ambry Variant Classification Scheme 2023. Collection method: clinical testing. Allele origin: germline.

Labcorp Genetics (formerly Invitae), Labcorp
Classification: Uncertain significance for Developmental and epileptic encephalopathy, 53; Early-onset Parkinson disease 20. Last evaluated: 2022-05-13. Review status: criteria provided, single submitter. Criteria: Invitae Variant Classification Sherloc (09022015). Collection method: clinical testing. Allele origin: germline.
Comment: This sequence change replaces isoleucine, which is neutral and non-polar, with threonine, which is neutral and polar, at codon 794 of the SYNJ1 protein (p.Ile794Thr). This variant is present in population databases (rs766613161, gnomAD 0.006%). This variant has not been reported in the literature in individuals affected with SYNJ1-related conditions. ClinVar contains an entry for this variant (Variation ID: 809283). Algorithms developed to predict the effect of missense changes on protein structure and function (SIFT, PolyPhen-2, Align-GVGD) all suggest that this variant is likely to be tolerated. In summary, the available evidence is currently insufficient to determine the role of this variant in disease. Therefore, it has been classified as a Variant of Uncertain Significance.

CeGaT Center for Human Genetics Tuebingen
Classification: Uncertain significance. Last evaluated: 2018-11-01. Review status: criteria provided, single submitter. Criteria: CeGaT Center For Human Genetics Tuebingen Variant Classification Criteria Version 2. Collection method: clinical testing. Allele origin: germline. Affected: yes. Observed: 1 variant allele.

Breakthrough Genomics
Classification: Uncertain significance. Review status: criteria provided, single submitter. Criteria: ACMG Guidelines, 2015. Collection method: not provided. Allele origin: germline. Inheritance: Autosomal dominant inheritance. Affected: yes.